The following is an entry in ClinVar:

ClinVar aggregate classification (germline): Uncertain significance (1 of 4 stars; one submission).

Submission:

GeneDx
Classification: Uncertain significance. Last evaluated: 2024-09-30. Review status: criteria provided, single submitter. Criteria: GeneDx Variant Classification Process June 2021. Collection method: clinical testing. Allele origin: germline. Affected: yes.
Comment: Not observed at significant frequency in large population cohorts (gnomAD); In silico analysis indicates that this missense variant does not alter protein structure/function; Has not been previously published as pathogenic or benign to our knowledge

NM_000352.6(ABCC8):c.817C>G (p.Gln273Glu)

Gene: ABCC8 (ATP binding cassette subfamily C member 8; minus strand). Cytogenetic location: 11p15.1.
Variant type: single nucleotide variant.
Coding change: c.817C>G on transcript NM_000352.6 (MANE Select); coding-DNA position 817, C replaced by G.
Protein change: p.Gln273Glu; replaces glutamine 273 with glutamic acid.
Molecular consequence: missense variant. On other transcripts: non-coding transcript variant (1).
Genome position (GRCh38, 1-based): chr11:17,461,588, G>C on the plus strand (C>G on the coding strand, the complement: ABCC8 is on the minus strand). VCF-style: chr11-17461588-G-C. GRCh37 (hg19) VCF-style: chr11-17483135-G-C.
Other names: c.817C>G, p.Gln273Glu (NM_001287174.3, NM_001351295.2, NM_001351296.2 and 1 more transcripts); short protein forms Q273E.
Identifiers: ClinVar variation 3774841 (VCV003774841.1).